The following is an entry in ClinVar:

ClinVar aggregate classification (germline): Uncertain significance (1 of 4 stars; one submission).

Conditions:
Intellectual developmental disorder, autosomal recessive 13. Also called: Intellectual disability, autosomal recessive 13. Identifiers: Orphanet 88616, MedGen C2750791, MONDO:0013173, OMIM 613192.

gnomAD v4.1: 12 of 1,613,938 alleles (0.00074%); highest among the groups gnomAD compares: African/African-American, 0.0013%; no homozygotes.

Submission:

Department of Human Genetics, Hannover Medical School
Classification: Uncertain significance for Intellectual developmental disorder, autosomal recessive 13. Last evaluated: 2025-01-16. Review status: criteria provided, single submitter. Criteria: ACMG Guidelines, 2015. Collection method: clinical testing. Allele origin: germline. Affected: yes.
Comment: ACMG: PM2_Supporting

NM_001160372.4(TRAPPC9):c.1540T>A (p.Cys514Ser)

Gene: TRAPPC9 (trafficking protein particle complex subunit 9; minus strand). Cytogenetic location: 8q24.3.
Variant type: single nucleotide variant.
Coding change: c.1540T>A on transcript NM_001160372.4 (MANE Select); coding-DNA position 1540, T replaced by A.
Protein change: p.Cys514Ser; replaces cysteine 514 with serine.
Molecular consequence: missense variant. On other transcripts: non-coding transcript variant (1).
Genome position (GRCh38, 1-based): chr8:140,311,330, A>T on the plus strand (T>A on the coding strand, the complement: TRAPPC9 is on the minus strand). VCF-style: chr8-140311330-A-T. GRCh37 (hg19) VCF-style: chr8-141321429-A-T.
Other names: c.1513T>A, p.Cys505Ser (NM_001321646.2); c.1561T>A, p.Cys521Ser (NM_001374682.1); c.1540T>A, p.Cys514Ser (NM_001374683.1, NM_031466.8); c.1396T>A, p.Cys466Ser (NM_001374684.1); short protein forms C514S, C521S, C466S, C505S.
Identifiers: ClinVar variation 3572870 (VCV003572870.1).